The following is an entry in ClinVar:

NM_001089.3(ABCA3):c.1814G>A (p.Arg605Gln)

Gene: ABCA3 (ATP binding cassette subfamily A member 3; minus strand). Cytogenetic location: 16p13.3.
Variant type: single nucleotide variant.
Coding change: c.1814G>A on transcript NM_001089.3 (MANE Select); coding-DNA position 1814, G replaced by A.
Protein change: p.Arg605Gln; replaces arginine 605 with glutamine.
Molecular consequence: missense variant.
Genome position (GRCh38, 1-based): chr16:2,298,468, C>T on the plus strand (G>A on the coding strand, the complement: ABCA3 is on the minus strand). VCF-style: chr16-2298468-C-T. GRCh37 (hg19) VCF-style: chr16-2348469-C-T.
Other names: c.1814G>A (NM_001089.2); short protein forms R605Q.
Identifiers: ClinVar variation 988016 (VCV000988016.3), dbSNP rs760006956, ClinGen allele CA7841084.

ClinVar aggregate classification (germline): Conflicting classifications of pathogenicity. Review status: criteria provided, conflicting classifications (1 of 4 stars). 3 submissions from 3 submitters: Uncertain significance (2); Likely benign (1). Last evaluated 2024-08-02.

Conditions:
Interstitial lung disease due to ABCA3 deficiency. Also called: PULMONARY ALVEOLAR PROTEINOSIS, CONGENITAL, 3. Identifiers: Orphanet 440402, MedGen C1970456, MONDO:0012582, OMIM 610921.

Allele frequency attached by ClinVar (database versions not stated): gnomAD 0.00003 and 0.00004; TOPMed 0.00007.
gnomAD v4.1: 40 of 1,613,968 alleles (0.0025%); highest among the groups gnomAD compares: East Asian, 0.022%; no homozygotes.

Submissions (3):

GeneDx
Classification: Uncertain significance. Last evaluated: 2024-08-02. Review status: criteria provided, single submitter. Criteria: GeneDx Variant Classification Process June 2021. Collection method: clinical testing. Allele origin: germline. Affected: yes.
Comment: In silico analysis supports that this missense variant has a deleterious effect on protein structure/function; This variant is associated with the following publications: (PMID: 33708521, 16728712)

Blueprint Genetics
Classification: Uncertain significance. Last evaluated: 2022-07-05. Review status: criteria provided, single submitter. Criteria: ACMG Guidelines, 2015. Collection method: clinical testing. Allele origin: germline.

Johns Hopkins Genomics, Johns Hopkins University
Classification: Likely benign for Interstitial lung disease due to ABCA3 deficiency. Last evaluated: 2020-11-13. Review status: criteria provided, single submitter. Criteria: ACMG Guidelines, 2015. Collection method: clinical testing. Allele origin: germline.

Literature cited by the submitters: PubMed 16728712 (cited by Johns Hopkins Genomics, Johns Hopkins University).